The following is an entry in ClinVar:

NM_000245.4(MET):c.839G>T (p.Arg280Met)

Gene: MET (MET proto-oncogene, receptor tyrosine kinase; plus strand). Cytogenetic location: 7q31.2.
Variant type: single nucleotide variant.
Coding change: c.839G>T on transcript NM_000245.4 (MANE Select); coding-DNA position 839, G replaced by T.
Protein change: p.Arg280Met; replaces arginine 280 with methionine.
Molecular consequence: missense variant. On other transcripts: intron variant (1).
Genome position (GRCh38, 1-based): chr7:116,699,923, G>T. VCF-style: chr7-116699923-G-T. GRCh37 (hg19) VCF-style: chr7-116339977-G-T.
Other names: c.839G>T, p.Arg280Met (NM_001127500.3, NM_001324401.3); c.-91+27346G>T (NM_001324402.2); short protein forms R280M.
Identifiers: ClinVar variation 3611382 (VCV003611382.2).

ClinVar aggregate classification (germline): Uncertain significance (1 of 4 stars; one submission).

Conditions:
Renal cell carcinoma. Identifiers: Orphanet 217071, MedGen C0007134, MeSH D002292, MONDO:0005086, HP:0005584.

gnomAD v4.1: 4 of 1,614,086 alleles (0.00025%); highest among the groups gnomAD compares: Non-Finnish European, 0.00034%; no homozygotes.

Submission:

Labcorp Genetics (formerly Invitae), Labcorp
Classification: Uncertain significance for Renal cell carcinoma. Last evaluated: 2025-08-07. Review status: criteria provided, single submitter. Criteria: Invitae Variant Classification Sherloc (09022015). Collection method: clinical testing. Allele origin: germline.
Comment: This sequence change replaces arginine, which is basic and polar, with methionine, which is neutral and non-polar, at codon 280 of the MET protein (p.Arg280Met). This variant is present in population databases (rs770528254, gnomAD 0.002%). This variant has not been reported in the literature in individuals affected with MET-related conditions. ClinVar contains an entry for this variant (Variation ID: 3611382). Invitae Evidence Modeling of protein sequence and biophysical properties (such as structural, functional, and spatial information, amino acid conservation, physicochemical variation, residue mobility, and thermodynamic stability) indicates that this missense variant is expected to disrupt MET protein function with a positive predictive value of 80%. In summary, the available evidence is currently insufficient to determine the role of this variant in disease. Therefore, it has been classified as a Variant of Uncertain Significance.